The following is an entry in ClinVar:

NM_000435.3(NOTCH3):c.6237G>A (p.Gly2079=)

Gene: NOTCH3 (notch receptor 3; minus strand). Cytogenetic location: 19p13.12.
Variant type: single nucleotide variant.
Coding change: c.6237G>A on transcript NM_000435.3 (MANE Select); coding-DNA position 6237, G replaced by A.
Protein change: p.Gly2079=; no amino-acid change (glycine 2079 retained).
Molecular consequence: synonymous variant.
Genome position (GRCh38, 1-based): chr19:15,161,391, C>T on the plus strand (G>A on the coding strand, the complement: NOTCH3 is on the minus strand). VCF-style: chr19-15161391-C-T. GRCh37 (hg19) VCF-style: chr19-15272202-C-T.
Other names: p.Gly2079=.
Identifiers: ClinVar variation 447863 (VCV000447863.27), dbSNP rs376598183, ClinGen allele CA9262396.

ClinVar aggregate classification (germline): Benign/Likely benign. Review status: criteria provided, multiple submitters, no conflicts (2 of 4 stars). 6 submissions from 6 submitters: Benign (5); Likely benign (1). Last evaluated 2025-09-22.

Conditions:
Cerebral arteriopathy, autosomal dominant, with subcortical infarcts and leukoencephalopathy, type 1 (CADASIL1). Also called: CADASIL 1; CASIL; DEMENTIA, HEREDITARY MULTIINFARCT TYPE; Cerebral arteriopathy with subcortical infarcts and leukoencephalopathy 1. Identifiers: Orphanet 136, MedGen C4551768, MONDO:0000914, OMIM 125310.

Allele frequency attached by ClinVar (database versions not stated): gnomAD exomes 0.00012 and 0.00030; ESP Exome Variant Server 0.00062; ExAC 0.00063; gnomAD 0.00138 and 0.00145; TOPMed 0.00162; 1000 Genomes Project 0.00180; 1000 Genomes Project 30x 0.00187.
gnomAD v4.1: 385 of 1,521,270 alleles (0.025%); highest among the groups gnomAD compares: African/African-American, 0.48%; no homozygotes.

Submissions (6):

Labcorp Genetics (formerly Invitae), Labcorp
Classification: Benign. Last evaluated: 2025-09-22. Review status: criteria provided, single submitter. Criteria: Invitae Variant Classification Sherloc (09022015). Collection method: clinical testing. Allele origin: germline.

ARUP Laboratories, Molecular Genetics and Genomics, ARUP Laboratories
Classification: Benign. Last evaluated: 2025-03-07. Review status: criteria provided, single submitter. Criteria: ARUP Molecular Germline Variant Investigation Process 2024. Collection method: clinical testing. Allele origin: germline.

Mayo Clinic Laboratories, Mayo Clinic
Classification: Benign. Last evaluated: 2025-03-05. Review status: criteria provided, single submitter. Criteria: ACMG Guidelines, 2015. Collection method: clinical testing. Allele origin: germline. Observed: 3 variant alleles.
Comment: BS1, BS2, BP4, BP7

Blueprint Genetics
Classification: Likely benign. Last evaluated: 2024-09-13. Review status: criteria provided, single submitter. Criteria: ACMG Guidelines, 2015. Collection method: clinical testing. Allele origin: germline.

Illumina Laboratory Services, Illumina
Classification: Benign for Cerebral arteriopathy, autosomal dominant, with subcortical infarcts and leukoencephalopathy, type 1. Last evaluated: 2018-01-12. Review status: criteria provided, single submitter. Criteria: ICSL Variant Classification Criteria 13 December 2019. Collection method: clinical testing. Allele origin: germline.
Comment: This variant was observed in the ICSL laboratory as part of a predisposition screen in an ostensibly healthy population. It had not been previously curated by ICSL or reported in the Human Gene Mutation Database (HGMD: prior to June 1st, 2018), and was therefore a candidate for classification through an automated scoring system. Utilizing variant allele frequency, disease prevalence and penetrance estimates, and inheritance mode, an automated score was calculated to assess if this variant is too frequent to cause the disease. Based on the score and internal cut-off values, a variant classified as benign is not then subjected to further curation. The score for this variant resulted in a classification of benign for this disease.

Athena Diagnostics
Classification: Benign. Last evaluated: 2017-05-09. Review status: criteria provided, single submitter. Criteria: Athena Diagnostics Criteria. Collection method: clinical testing. Allele origin: germline.